The following is an entry in ClinVar:

ClinVar aggregate classification (germline): Likely pathogenic. Review status: criteria provided, single submitter (1 of 4 stars). 2 submissions from 2 submitters: Likely pathogenic (1). 1 of the submissions does not count toward it. Last evaluated 2025-09-12.

Conditions:
beta Thalassemia (BTHAL). Also called: Cooley's anemia; Erythroblastic anemia; Mediterranean anemia. Identifiers: Orphanet 848, MedGen C0005283, MONDO:0019402. Disease mechanism: loss of function.

Submissions (2):

Natera, Inc.
Classification: Likely pathogenic for Beta thalassemia. Last evaluated: 2025-09-12. Review status: criteria provided, single submitter. Criteria: Natera Variant Classification Schema (03/2026). Collection method: clinical testing. Allele origin: germline.
Comment: The c.394C>T variant in HBB is a nonsense variant predicted to introduce a stop codon at amino acid 132. This variant is expected to result in nonsense mediated decay, truncation, or a dysfunctional protein product. This variant is rare in the general population with a frequency below the threshold expected for the associated phenotype(s). This variant has been observed in affected individual(s) with monoallelic occurrence (heterozygous/hemizygous) (PMID: 12430907, 26635043). Given the available evidence, this variant is classified as Likely Pathogenic.

The ITHANET community portal, The Cyprus Institute of Neurology and Genetics
Classification: Pathogenic for beta Thalassemia. Last evaluated: 2019-11-25. Review status: no assertion criteria provided. Collection method: curation. Allele origin: germline. Not counted in ClinVar's aggregate classification.

Literature cited by the submitters: PubMed 12430907 (cited by Natera, Inc. and The ITHANET community portal, The Cyprus Institute of Neurology and Genetics); PubMed 26635043 (cited by Natera, Inc. and The ITHANET community portal, The Cyprus Institute of Neurology and Genetics).

NM_000518.5(HBB):c.394C>T (p.Gln132Ter)

Genes: HBB (hemoglobin subunit beta; minus strand), LOC107133510 (origin of replication at HBB; plus strand), LOC110006319 (beta-globin gene 3' regulatory region; plus strand). Cytogenetic location: 11p15.4.
Variant type: single nucleotide variant.
Coding change: c.394C>T on transcript NM_000518.5 (MANE Select); coding-DNA position 394, C replaced by T.
Protein change: p.Gln132Ter; replaces glutamine 132 with a stop codon.
Molecular consequence: nonsense.
Genome position (GRCh38, 1-based): chr11:5,225,648, G>A on the plus strand (C>T on the coding strand, the complement: HBB is on the minus strand). VCF-style: chr11-5225648-G-A. GRCh37 (hg19) VCF-style: chr11-5246878-G-A.
Other names: CD 131 (CAG>TAG); short protein forms Q132*.
Identifiers: ClinVar variation 869311 (VCV000869311.1), dbSNP rs33910209, ClinGen allele CA379273681.
Genomic context (GRCh38, chr11:5,225,648, plus strand): 5'-GAAAGCGAGCTTAGTGATACTTGTGGGCCAGGGCATTAGCCACACCAGCCACCACTTTCT[G>A]ATAGGCAGCCTGCACTGGTGGGGTGAATTCTTTGCCAAAGTGATGGGCCAGCACACAGAC-3'